The following is an entry in ClinVar:

ClinVar aggregate classification (germline): Uncertain significance. Review status: criteria provided, single submitter (1 of 4 stars). 2 submissions from 2 submitters: Uncertain significance (1). 1 of the submissions does not count toward it. Last evaluated 2024-10-24.

Conditions:
Metaphyseal chondrodysplasia, Schmid type (MCDS). Also called: SPONDYLOMETAPHYSEAL DYSPLASIA, JAPANESE TYPE. Identifiers: Orphanet 174, MedGen C0265289, MONDO:0007983, OMIM 156500.

Submissions (2):

Labcorp Genetics (formerly Invitae), Labcorp
Classification: Uncertain significance. Last evaluated: 2024-10-24. Review status: criteria provided, single submitter. Criteria: Invitae Variant Classification Sherloc (09022015). Collection method: clinical testing. Allele origin: germline.
Comment: This sequence change replaces serine, which is neutral and polar, with proline, which is neutral and non-polar, at codon 600 of the COL10A1 protein (p.Ser600Pro). This variant is not present in population databases (gnomAD no frequency). This missense change has been observed in individual(s) with metaphyseal chondrodysplasia, Schmid type (PMID: 8782043). ClinVar contains an entry for this variant (Variation ID: 17481). Invitae Evidence Modeling of protein sequence and biophysical properties (such as structural, functional, and spatial information, amino acid conservation, physicochemical variation, residue mobility, and thermodynamic stability) has been performed for this missense variant. However, the output from this modeling did not meet the statistical confidence thresholds required to predict the impact of this variant on COL10A1 protein function. Experimental studies have shown that this missense change affects COL10A1 function (PMID: 9920912). In summary, the available evidence is currently insufficient to determine the role of this variant in disease. Therefore, it has been classified as a Variant of Uncertain Significance.

OMIM
Classification: Pathogenic for METAPHYSEAL CHONDRODYSPLASIA, SCHMID TYPE. Last evaluated: 2000-08-01. Review status: no assertion criteria provided. Collection method: literature only. Allele origin: germline. Not counted in ClinVar's aggregate classification.

Literature cited by the submitters: PubMed 8782043 (cited by Labcorp Genetics (formerly Invitae), Labcorp); PubMed 9920912 (cited by Labcorp Genetics (formerly Invitae), Labcorp); PubMed 10991694 (cited by OMIM); PubMed 9525992 (cited by OMIM).

NM_000493.4(COL10A1):c.1798T>C (p.Ser600Pro)

Genes: COL10A1 (collagen type X alpha 1 chain; minus strand), NT5DC1 (5'-nucleotidase domain containing 1; plus strand). Cytogenetic location: 6q22.1.
Variant type: single nucleotide variant.
Coding change: c.1798T>C on transcript NM_000493.4 (MANE Select); coding-DNA position 1798, T replaced by C.
Protein change: p.Ser600Pro; replaces serine 600 with proline.
Molecular consequence: missense variant. On other transcripts: intron variant (1).
Genome position (GRCh38, 1-based): chr6:116,120,318, A>G on the plus strand (T>C on the coding strand, the complement: COL10A1 is on the minus strand). VCF-style: chr6-116120318-A-G. GRCh37 (hg19) VCF-style: chr6-116441481-A-G.
Other names: c.1798T>C, p.Ser600Pro (NM_001424106.1, NM_001424107.1); c.529+2373A>G (NM_152729.3); short protein forms S600P.
Identifiers: ClinVar variation 17481 (VCV000017481.11), dbSNP rs111033555, ClinGen allele CA127225.
Genomic context (GRCh38, chr6:116,120,318, plus strand): 5'-GGGTGCCATTCTTATACAGGCCTACCCAAACATGAGTCCCTTTCACATGCACGTGGTATG[A>G]AAAATAGTATATTCCTGGTATCTGACAAGTAAAGATTCCAGTCCTTGGGTCATAATGCTG-3'
Protein context (NP_000484.2, residues 590-610): TCQIPGIYYF[Ser600Pro]YHVHVKGTHV